The following is an entry in ClinVar:

ClinVar aggregate classification (germline): Pathogenic/Likely pathogenic. Review status: criteria provided, multiple submitters, no conflicts (2 of 4 stars). 6 submissions from 6 submitters: Pathogenic (3); Likely pathogenic (2). 1 of the submissions does not count toward it. Last evaluated 2025-10-10.

Conditions:
Autosomal recessive nonsyndromic hearing loss 3. Also called: NEUROSENSORY NONSYNDROMIC RECESSIVE DEAFNESS 3. Identifiers: Orphanet 90636, MedGen C1838263, MONDO:0010860, OMIM 600316.
Hearing impairment. Also called: Impaired Hearing. Identifiers: MedGen C1384666, MONDO:0005365, HP:0000365.

Allele frequency attached by ClinVar (database versions not stated): ExAC 0.00001; gnomAD exomes 0.00001.
gnomAD v4.1: 12 of 1,614,140 alleles (0.00074%); highest among the groups gnomAD compares: South Asian, 0.0055%; no homozygotes.

Submissions (6):

Women's Health and Genetics/Laboratory Corporation of America, LabCorp
Classification: Likely pathogenic for Autosomal recessive nonsyndromic hearing loss 3. Last evaluated: 2025-10-10. Review status: criteria provided, single submitter. Criteria: LabCorp Variant Classification Summary - May 2015. Collection method: clinical testing. Allele origin: germline.
Comment: Variant summary: MYO15A c.4351G>A (p.Asp1451Asn) results in a conservative amino acid change in the encoded protein sequence. Algorithms developed to predict the effect of missense changes on protein structure and function are either unavailable or do not agree on the potential impact of this missense change. The variant allele was found at a frequency of 1.2e-05 in 249350 control chromosomes (gnomAD). c.4351G>A has been observed in individuals affected with Autosomal Recessive Nonsyndromic Hearing Loss 3 (Nal_2007, Downie_2020, Sang_2019). These data indicate that the variant may be associated with disease. At least one publication reports experimental evidence evaluating an impact on protein function and this variant affected the MYO15A protein (Zheng_2010). The following publications have been ascertained in the context of this evaluation (PMID: 20505086, 17546645, 31827275, 31379920, 27018795). ClinVar contains an entry for this variant (Variation ID: 869471). Based on the evidence outlined above, the variant was classified as likely pathogenic.

Labcorp Genetics (formerly Invitae), Labcorp
Classification: Pathogenic. Last evaluated: 2025-06-05. Review status: criteria provided, single submitter. Criteria: Invitae Variant Classification Sherloc (09022015). Collection method: clinical testing. Allele origin: germline.
Comment: This sequence change replaces aspartic acid, which is acidic and polar, with asparagine, which is neutral and polar, at codon 1451 of the MYO15A protein (p.Asp1451Asn). This variant is present in population databases (rs767270134, gnomAD 0.01%). This missense change has been observed in individuals with deafness (PMID: 17546645, 31379920, 31827275). It has also been observed to segregate with disease in related individuals. ClinVar contains an entry for this variant (Variation ID: 869471). Invitae Evidence Modeling of protein sequence and biophysical properties (such as structural, functional, and spatial information, amino acid conservation, physicochemical variation, residue mobility, and thermodynamic stability) has been performed for this missense variant. However, the output from this modeling did not meet the statistical confidence thresholds required to predict the impact of this variant on MYO15A protein function. Experimental studies have shown that this missense change affects MYO15A function (PMID: 20505086). For these reasons, this variant has been classified as Pathogenic.

Department of Otolaryngology – Head & Neck Surgery, Cochlear Implant Center
Classification: Pathogenic for Hearing impairment. Last evaluated: 2021-04-12. Review status: criteria provided, single submitter. Criteria: ClinGen HL ACMG Specifications v1. Collection method: clinical testing. Allele origin: germline. Affected: yes.
Comment: PS1_Very strong, PM2_Moderate, PM3_Supporting, PP1_Supporting, PP3_Supporting

CeGaT Center for Human Genetics Tuebingen
Classification: Pathogenic. Last evaluated: 2018-10-01. Review status: criteria provided, single submitter. Criteria: CeGaT Center For Human Genetics Tuebingen Variant Classification Criteria Version 2. Collection method: clinical testing. Allele origin: germline. Affected: yes. Observed: 3 variant alleles.

Victorian Clinical Genetics Services, Murdoch Childrens Research Institute
Classification: Likely pathogenic for Autosomal recessive nonsyndromic hearing loss 3. Last evaluated: 2018-02-23. Review status: criteria provided, single submitter. Criteria: ACMG Guidelines, 2015. Collection method: clinical testing. Allele origin: unknown. Affected: yes.
Comment: A heterozygous missense variant, NM_016239.3(MYO15A):c.4351G>A, has been identified in exon 12 of 66 of the MYO15A gene. The variant is predicted to result in a minor amino acid change from an aspartic acid to an asparagine at position 1451 of the protein, NP_057323.3(MYO15A):p.(Asp1451Asn). The aspartic acid residue at this position has high conservation (100 vertebrates, UCSC), and is located within the Myosin motor functional domain. In silico predictions for this variant are consistently pathogenic (Polyphen, SIFT, CADD, Mutation Taster) and the variant is present in the gnomAD database at a frequency of 0.001219% (0 homozygotes). The variant has been previously described as pathogenic in an individual with deafness (Nal, N et al. (2007)). Parental testing has demonstrated this variant is in trans with the c.4351G>A variant.Based on the information available at the time of curation, this variant has been classified as LIKELY PATHOGENIC.NB: This variant has been reclassified to likely pathogenic due to being in trans with the c.4351G>A variant.

Revvity Omics, Revvity
Classification: Uncertain significance for Autosomal recessive nonsyndromic hearing loss 3. Last evaluated: 2025-06-11. Review status: flagged submission. Criteria: ACMG Guidelines, 2015. Collection method: clinical testing. Allele origin: germline. Not counted in ClinVar's aggregate classification.
ClinVar note: Reason: Outlier claim with insufficient supporting evidence

Literature cited by the submitters: PubMed 27018795 (cited by Women's Health and Genetics/Laboratory Corporation of America, LabCorp); PubMed 31827275 (cited by Women's Health and Genetics/Laboratory Corporation of America, LabCorp and Labcorp Genetics (formerly Invitae), Labcorp); PubMed 31379920 (cited by Women's Health and Genetics/Laboratory Corporation of America, LabCorp and Labcorp Genetics (formerly Invitae), Labcorp); PubMed 17546645 (cited by 3 submitters); PubMed 20505086 (cited by Women's Health and Genetics/Laboratory Corporation of America, LabCorp and Labcorp Genetics (formerly Invitae), Labcorp).

NM_016239.4(MYO15A):c.4351G>A (p.Asp1451Asn)

Gene: MYO15A (myosin XVA; plus strand). Cytogenetic location: 17p11.2.
Variant type: single nucleotide variant.
Coding change: c.4351G>A on transcript NM_016239.4 (MANE Select); coding-DNA position 4351, G replaced by A.
Protein change: p.Asp1451Asn; replaces aspartic acid 1451 with asparagine.
Molecular consequence: missense variant.
Genome position (GRCh38, 1-based): chr17:18,133,255, G>A. VCF-style: chr17-18133255-G-A. GRCh37 (hg19) VCF-style: chr17-18036569-G-A.
Other names: short protein forms D1451N.
Identifiers: ClinVar variation 869471 (VCV000869471.53), dbSNP rs767270134, ClinGen allele CA8423861.